The following is an entry in ClinVar:

NM_177972.3(TUB):c.345A>C (p.Thr115=)

Genes: RIC3 (RIC3 acetylcholine receptor chaperone; minus strand), TUB (TUB bipartite transcription factor; plus strand). Cytogenetic location: 11p15.4.
Variant type: single nucleotide variant.
Coding change: c.345A>C on transcript NM_177972.3 (MANE Select); coding-DNA position 345, A replaced by C.
Protein change: p.Thr115=; no amino-acid change (threonine 115 retained).
Molecular consequence: synonymous variant. On other transcripts: non-coding transcript variant (1).
Genome position (GRCh38, 1-based): chr11:8,094,137, A>C. VCF-style: chr11-8094137-A-C. GRCh37 (hg19) VCF-style: chr11-8115684-A-C.
Other names: c.510A>C, p.Thr170= (NM_003320.5).
Identifiers: ClinVar variation 3351004 (VCV003351004.3).

ClinVar aggregate classification (germline): Likely benign. Review status: criteria provided, multiple submitters, no conflicts (2 of 4 stars). 3 submissions from 3 submitters: Likely benign (2). 1 of the submissions does not count toward it. Last evaluated 2025-06-29.

Conditions:
TUB-related disorder. Also called: TUB-related condition.

gnomAD v4.1: 5 of 1,614,124 alleles (0.00031%); no homozygotes.

Submissions (3):

Labcorp Genetics (formerly Invitae), Labcorp
Classification: Likely benign. Last evaluated: 2025-06-29. Review status: criteria provided, single submitter. Criteria: Invitae Variant Classification Sherloc (09022015). Collection method: clinical testing. Allele origin: germline.

Blueprint Genetics
Classification: Likely benign. Last evaluated: 2024-08-30. Review status: criteria provided, single submitter. Criteria: ACMG Guidelines, 2015. Collection method: clinical testing. Allele origin: germline.

PreventionGenetics, part of Exact Sciences
Classification: Likely benign for TUB-related condition. Last evaluated: 2024-07-23. Review status: no assertion criteria provided. Collection method: clinical testing. Allele origin: germline. Not counted in ClinVar's aggregate classification.
Comment: This variant is classified as likely benign based on ACMG/AMP sequence variant interpretation guidelines (Richards et al. 2015 PMID: 25741868, with internal and published modifications).